The following is an entry in ClinVar:

ClinVar aggregate classification (germline): Uncertain significance (1 of 4 stars; one submission).

Submission:

Ambry Genetics
Classification: Uncertain significance. Last evaluated: 2024-08-21. Review status: criteria provided, single submitter. Criteria: Ambry Variant Classification Scheme 2023. Collection method: clinical testing. Allele origin: germline.
Comment: The p.D230E variant (also known as c.690T>G), located in coding exon 8 of the BUB1 gene, results from a T to G substitution at nucleotide position 690. The aspartic acid at codon 230 is replaced by glutamic acid, an amino acid with highly similar properties. This amino acid position is conserved. In addition, this alteration is predicted to be tolerated by in silico analysis. Since supporting evidence is limited at this time, the clinical significance of this alteration remains unclear.

NM_004336.5(BUB1):c.690T>G (p.Asp230Glu)

Gene: BUB1 (BUB1 mitotic checkpoint serine/threonine kinase; minus strand). Cytogenetic location: 2q13.
Variant type: single nucleotide variant.
Coding change: c.690T>G on transcript NM_004336.5 (MANE Select); coding-DNA position 690, T replaced by G.
Protein change: p.Asp230Glu; replaces aspartic acid 230 with glutamic acid.
Molecular consequence: missense variant.
Genome position (GRCh38, 1-based): chr2:110,667,636, A>C on the plus strand (T>G on the coding strand, the complement: BUB1 is on the minus strand). VCF-style: chr2-110667636-A-C. GRCh37 (hg19) VCF-style: chr2-111425213-A-C.
Other names: c.630T>G, p.Asp210Glu (NM_001278616.2); c.690T>G, p.Asp230Glu (NM_001278617.2); short protein forms D230E, D210E.
Identifiers: ClinVar variation 1756127 (VCV001756127.3), dbSNP rs1309317387, ClinGen allele CA348217851.